The following is an entry in ClinVar:

NM_017654.4(SAMD9):c.721del (p.Asp241fs)

Gene: SAMD9 (sterile alpha motif domain containing 9; minus strand). Cytogenetic location: 7q21.2.
Variant type: Deletion.
Coding change: c.721del on transcript NM_017654.4 (MANE Select); coding-DNA position 721, one base deleted (G; older notation c.721delG).
Protein change: p.Asp241fs; shifts the reading frame from aspartic acid 241.
Molecular consequence: frameshift variant.
Genome position (GRCh38, 1-based): chr7:93,105,377, C deleted on the plus strand (G on the coding strand, the reverse complement: SAMD9 is on the minus strand). VCF-style (leftmost placement, unchanged base first): chr7-93105376-TC-T. GRCh37 (hg19) VCF-style: chr7-92734689-TC-T.
Other names: c.721del, p.Asp241fs (NM_001193307.2); short protein forms D241fs.
Identifiers: ClinVar variation 1987141 (VCV001987141.5), dbSNP rs1432439729, ClinGen allele CA576706805.

ClinVar aggregate classification (germline): Uncertain significance. Review status: criteria provided, multiple submitters, no conflicts (2 of 4 stars). 2 submissions from 2 submitters: Uncertain significance (2). Last evaluated 2025-11-03.

Allele frequency attached by ClinVar (database versions not stated): gnomAD 0.00001; TOPMed 0.00002.

Submissions (2):

Labcorp Genetics (formerly Invitae), Labcorp
Classification: Uncertain significance. Last evaluated: 2025-11-03. Review status: criteria provided, single submitter. Criteria: Invitae Variant Classification Sherloc (09022015). Collection method: clinical testing. Allele origin: germline.
Comment: This sequence change creates a premature translational stop signal (p.Asp241Thrfs*26) in the SAMD9 gene. While this is not anticipated to result in nonsense mediated decay, it is expected to disrupt the last 1349 amino acid(s) of the SAMD9 protein. This variant is present in population databases (no rsID available, gnomAD no frequency). This variant has not been reported in the literature in individuals affected with SAMD9-related conditions. ClinVar contains an entry for this variant (Variation ID: 1987141). Experimental studies and prediction algorithms are not available or were not evaluated, and the functional significance of this variant is currently unknown. In summary, the available evidence is currently insufficient to determine the role of this variant in disease. Therefore, it has been classified as a Variant of Uncertain Significance.

Blueprint Genetics
Classification: Uncertain significance. Last evaluated: 2020-07-02. Review status: criteria provided, single submitter. Criteria: ACMG Guidelines, 2015. Collection method: clinical testing. Allele origin: germline.